The following is an entry in ClinVar:

ClinVar aggregate classification (germline): Uncertain significance (1 of 4 stars; one submission).

gnomAD v4.1: 12 of 1,612,506 alleles (0.00074%); highest among the groups gnomAD compares: South Asian, 0.012%; no homozygotes.

Submission:

Labcorp Genetics (formerly Invitae), Labcorp
Classification: Uncertain significance. Last evaluated: 2024-05-02. Review status: criteria provided, single submitter. Criteria: Invitae Variant Classification Sherloc (09022015). Collection method: clinical testing. Allele origin: germline.
Comment: This sequence change replaces glutamine, which is neutral and polar, with arginine, which is basic and polar, at codon 1545 of the DSCAML1 protein (p.Gln1545Arg). This variant is present in population databases (rs569617987, gnomAD 0.01%). This variant has not been reported in the literature in individuals affected with DSCAML1-related conditions. An algorithm developed to predict the effect of missense changes on protein structure and function (PolyPhen-2) suggests that this variant is likely to be disruptive. In summary, the available evidence is currently insufficient to determine the role of this variant in disease. Therefore, it has been classified as a Variant of Uncertain Significance.

NM_020693.4(DSCAML1):c.4454A>G (p.Gln1485Arg)

Gene: DSCAML1 (DS cell adhesion molecule like 1; minus strand). Cytogenetic location: 11q23.3.
Variant type: single nucleotide variant.
Coding change: c.4454A>G on transcript NM_020693.4 (MANE Select); coding-DNA position 4454, A replaced by G.
Protein change: p.Gln1485Arg; replaces glutamine 1485 with arginine.
Molecular consequence: missense variant.
Genome position (GRCh38, 1-based): chr11:117,437,388, T>C on the plus strand (A>G on the coding strand, the complement: DSCAML1 is on the minus strand). VCF-style: chr11-117437388-T-C. GRCh37 (hg19) VCF-style: chr11-117308104-T-C.
Other names: short protein forms Q1485R.
Identifiers: ClinVar variation 3647475 (VCV003647475.2).